The following is an entry in ClinVar:

NM_006908.5(RAC1):c.58C>G (p.Leu20Val)

Gene: RAC1 (Rac family small GTPase 1; plus strand). Cytogenetic location: 7p22.1.
Variant type: single nucleotide variant.
Coding change: c.58C>G on transcript NM_006908.5 (MANE Select); coding-DNA position 58, C replaced by G.
Protein change: p.Leu20Val; replaces leucine 20 with valine.
Molecular consequence: missense variant.
Genome position (GRCh38, 1-based): chr7:6,387,234, C>G. VCF-style: chr7-6387234-C-G. GRCh37 (hg19) VCF-style: chr7-6426865-C-G.
Other names: c.58C>G, p.Leu20Val (NM_018890.4); short protein forms L20V.
Identifiers: ClinVar variation 5019200 (VCV005019200.2).

ClinVar aggregate classification (germline): Uncertain significance (1 of 4 stars; one submission).

Conditions:
Intellectual developmental disorder, autosomal dominant 48. Also called: MENTAL RETARDATION, AUTOSOMAL DOMINANT 48; Intellectual disability, autosomal dominant 48. Identifiers: Orphanet 500159, MedGen C4540321, MONDO:0030913, OMIM 617751.

Submission:

Juno Genomics, Hangzhou Juno Genomics, Inc
Classification: Uncertain significance for Intellectual developmental disorder, autosomal dominant 48. Review status: criteria provided, single submitter. Criteria: ACMG Guidelines, 2015. Collection method: clinical testing. Allele origin: germline.
Comment: Absent from controls (or at extremely low frequency if recessive) in Genome Aggregation Database.;Missense variant in a gene that has a low rate of benign missense variation.